The following is an entry in ClinVar:

NM_000814.6(GABRB3):c.467C>T (p.Thr156Ile)

Gene: GABRB3 (gamma-aminobutyric acid type A receptor subunit beta3; minus strand). Cytogenetic location: 15q12.
Variant type: single nucleotide variant.
Coding change: c.467C>T on transcript NM_000814.6 (MANE Select); coding-DNA position 467, C replaced by T.
Protein change: p.Thr156Ile; replaces threonine 156 with isoleucine.
Molecular consequence: missense variant.
Genome position (GRCh38, 1-based): chr15:26,583,409, G>A on the plus strand (C>T on the coding strand, the complement: GABRB3 is on the minus strand). VCF-style: chr15-26583409-G-A. GRCh37 (hg19) VCF-style: chr15-26828556-G-A.
Other names: c.212C>T, p.Thr71Ile (NM_001191320.2, NM_001278631.2); c.254C>T, p.Thr85Ile (NM_001191321.3); c.467C>T, p.Thr156Ile (NM_021912.5); short protein forms T156I, T85I, T71I.
Identifiers: ClinVar variation 2937643 (VCV002937643.3), dbSNP rs78196007, ClinGen allele CA268157134.

ClinVar aggregate classification (germline): Likely pathogenic (1 of 4 stars; one submission).

Conditions:
Epilepsy, childhood absence, susceptibility to, 5. Identifiers: Orphanet 64280, MedGen C2677087, MONDO:0012843, OMIM 612269.
Epilepsy, childhood absence, susceptibility to, 1. Also called: Epilepsy, childhood absence 1. Identifiers: Orphanet 64280, MedGen C1838604, MONDO:0020759, OMIM 600131.

Allele frequency attached by ClinVar (database versions not stated): gnomAD exomes below 0.00001.
gnomAD v4.1: 1 of 1,613,530 alleles (0.000062%); highest among the groups gnomAD compares: Non-Finnish European, 0.000085%; no homozygotes.

Submission:

Labcorp Genetics (formerly Invitae), Labcorp
Classification: Likely pathogenic for Epilepsy, childhood absence, susceptibility to, 5; Epilepsy, childhood absence, susceptibility to, 1. Last evaluated: 2023-10-10. Review status: criteria provided, single submitter. Criteria: Invitae Variant Classification Sherloc (09022015). Collection method: clinical testing. Allele origin: germline.
Comment: This sequence change replaces threonine, which is neutral and polar, with isoleucine, which is neutral and non-polar, at codon 156 of the GABRB3 protein (p.Thr156Ile). This variant is not present in population databases (gnomAD no frequency). This variant has not been reported in the literature in individuals affected with GABRB3-related conditions. Advanced modeling of protein sequence and biophysical properties (such as structural, functional, and spatial information, amino acid conservation, physicochemical variation, residue mobility, and thermodynamic stability) performed at Invitae indicates that this missense variant is expected to disrupt GABRB3 protein function. This variant disrupts the p.Thr156 amino acid residue in GABRB3. Other variant(s) that disrupt this residue have been determined to be pathogenic (Invitae). This suggests that this residue is clinically significant, and that variants that disrupt this residue are likely to be disease-causing. In summary, the currently available evidence indicates that the variant is pathogenic, but additional data are needed to prove that conclusively. Therefore, this variant has been classified as Likely Pathogenic.